The following is an entry in ClinVar:

ClinVar aggregate classification (germline): Uncertain significance (1 of 4 stars; one submission).

Conditions:
Myofibrillar myopathy 5. Also called: FILAMINOPATHY, AUTOSOMAL DOMINANT; Filaminopathy (type). Identifiers: Orphanet 171445, MedGen C1836050, MONDO:0012289, OMIM 609524.
Hypertrophic cardiomyopathy 26. Also called: Cardiomyopathy, familial hypertrophic, 26. Identifiers: Orphanet 75249, MedGen C4310749, MONDO:0014883, OMIM 617047.
Distal myopathy with posterior leg and anterior hand involvement. Also called: WILLIAMS DISTAL MYOPATHY. Identifiers: Orphanet 63273, MedGen C3279722, MONDO:0013550, OMIM 614065.

Submission:

Labcorp Genetics (formerly Invitae), Labcorp
Classification: Uncertain significance for Distal myopathy with posterior leg and anterior hand involvement; Myofibrillar myopathy 5; Hypertrophic cardiomyopathy 26. Last evaluated: 2023-12-14. Review status: criteria provided, single submitter. Criteria: Invitae Variant Classification Sherloc (09022015). Collection method: clinical testing. Allele origin: germline.
Comment: This sequence change falls in intron 26 of the FLNC gene. It does not directly change the encoded amino acid sequence of the FLNC protein. It affects a nucleotide within the consensus splice site. This variant is not present in population databases (gnomAD no frequency). This variant has not been reported in the literature in individuals affected with FLNC-related conditions. Variants that disrupt the consensus splice site are a relatively common cause of aberrant splicing (PMID: 17576681, 9536098). Algorithms developed to predict the effect of sequence changes on RNA splicing suggest that this variant is not likely to affect RNA splicing. In summary, the available evidence is currently insufficient to determine the role of this variant in disease. Therefore, it has been classified as a Variant of Uncertain Significance.

Literature cited by the submitters: PubMed 17576681; PubMed 9536098.

NM_001458.5(FLNC):c.4580+5G>A

Gene: FLNC (filamin C; plus strand). Cytogenetic location: 7q32.1.
Variant type: single nucleotide variant.
Coding change: c.4580+5G>A on transcript NM_001458.5 (MANE Select); 5 bases into the intron after coding-DNA position 4580, G replaced by A.
Molecular consequence: intron variant.
Genome position (GRCh38, 1-based): chr7:128,848,073, G>A. VCF-style: chr7-128848073-G-A. GRCh37 (hg19) VCF-style: chr7-128488127-G-A.
Other names: c.4580+5G>A (NM_001127487.2).
Identifiers: ClinVar variation 2921419 (VCV002921419.3), dbSNP rs1361131485, ClinGen allele CA2715665076.